The following is an entry in ClinVar:

NM_001458.5(FLNC):c.2717T>C (p.Phe906Ser)

Gene: FLNC (filamin C; plus strand). Cytogenetic location: 7q32.1.
Variant type: single nucleotide variant.
Coding change: c.2717T>C on transcript NM_001458.5 (MANE Select); coding-DNA position 2717, T replaced by C.
Protein change: p.Phe906Ser; replaces phenylalanine 906 with serine.
Molecular consequence: missense variant.
Genome position (GRCh38, 1-based): chr7:128,843,483, T>C. VCF-style: chr7-128843483-T-C. GRCh37 (hg19) VCF-style: chr7-128483537-T-C.
Other names: c.2717T>C, p.Phe906Ser (NM_001127487.2); short protein forms F906S.
Identifiers: ClinVar variation 1307527 (VCV001307527.7), dbSNP rs1212936871, ClinGen allele CA369193018.
Genomic context (GRCh38, chr7:128,843,483, plus strand): 5'-AGCCCACCCACTTCACGGTGCTGACCAAGGGAGCCGGCAAGGCCAAGCTGGATGTGCAGT[T>C]TGCAGGGACAGCCAAGGGCGAGGTTGTGCGGGACTTTGAGATCATAGACAACCATGACTA-3'
Protein context (NP_001449.3, residues 896-916): GAGKAKLDVQ[Phe906Ser]AGTAKGEVVR

ClinVar aggregate classification (germline): Uncertain significance. Review status: criteria provided, multiple submitters, no conflicts (2 of 4 stars). 2 submissions from 2 submitters: Uncertain significance (2). Last evaluated 2026-01-07.

Conditions:
Hypertrophic cardiomyopathy 26. Also called: Cardiomyopathy, familial hypertrophic, 26. Identifiers: Orphanet 75249, MedGen C4310749, MONDO:0014883, OMIM 617047.
Myofibrillar myopathy 5. Also called: FILAMINOPATHY, AUTOSOMAL DOMINANT; Filaminopathy (type). Identifiers: Orphanet 171445, MedGen C1836050, MONDO:0012289, OMIM 609524.
Distal myopathy with posterior leg and anterior hand involvement. Also called: WILLIAMS DISTAL MYOPATHY. Identifiers: Orphanet 63273, MedGen C3279722, MONDO:0013550, OMIM 614065.

Allele frequency attached by ClinVar (database versions not stated): TOPMed below 0.00001; gnomAD exomes 0.00001.
gnomAD v4.1: 3 of 1,614,114 alleles (0.00019%); highest among the groups gnomAD compares: Admixed American, 0.005%; no homozygotes.

Submissions (2):

GeneDx
Classification: Uncertain significance. Last evaluated: 2026-01-07. Review status: criteria provided, single submitter. Criteria: GeneDx Variant Classification Process June 2021. Collection method: clinical testing. Allele origin: germline. Affected: yes.
Comment: Not observed at significant frequency in large population cohorts (gnomAD); In silico analysis supports that this missense variant has a deleterious effect on protein structure/function; Has not been previously published as pathogenic or benign to our knowledge

Labcorp Genetics (formerly Invitae), Labcorp
Classification: Uncertain significance for Distal myopathy with posterior leg and anterior hand involvement; Myofibrillar myopathy 5; Hypertrophic cardiomyopathy 26. Last evaluated: 2025-09-23. Review status: criteria provided, single submitter. Criteria: Invitae Variant Classification Sherloc (09022015). Collection method: clinical testing. Allele origin: germline.
Comment: This sequence change replaces phenylalanine, which is neutral and non-polar, with serine, which is neutral and polar, at codon 906 of the FLNC protein (p.Phe906Ser). This variant is present in population databases (no rsID available, gnomAD 0.009%). This variant has not been reported in the literature in individuals affected with FLNC-related conditions. ClinVar contains an entry for this variant (Variation ID: 1307527). Invitae Evidence Modeling of protein sequence and biophysical properties (such as structural, functional, and spatial information, amino acid conservation, physicochemical variation, residue mobility, and thermodynamic stability) has been performed for this missense variant. However, the output from this modeling did not meet the statistical confidence thresholds required to predict the impact of this variant on FLNC protein function. In summary, the available evidence is currently insufficient to determine the role of this variant in disease. Therefore, it has been classified as a Variant of Uncertain Significance.